The following is an entry in ClinVar:

ClinVar aggregate classification (germline): Pathogenic (1 of 4 stars; one submission).

Conditions:
Neuropathy, hereditary sensory and autonomic, type 2A (HSAN2A). Also called: WNK1-Related HSAN2 (HSAN2A); ACROOSTEOLYSIS, GIACCAI TYPE; ACROOSTEOLYSIS, NEUROGENIC; MORVAN DISEASE; NEUROPATHY, CONGENITAL SENSORY; NEUROPATHY, HEREDITARY SENSORY RADICULAR, AUTOSOMAL RECESSIVE. Identifiers: Orphanet 970, MedGen C2752089, MONDO:0024309, OMIM 201300.
Pseudohypoaldosteronism type 2C (PHA2C). Also called: Pseudohypoaldosteronism Type IIC. Identifiers: Orphanet 757, Orphanet 88940, MedGen C1840391, MONDO:0013778, OMIM 614492.

Submission:

Labcorp Genetics (formerly Invitae), Labcorp
Classification: Pathogenic for Neuropathy, hereditary sensory and autonomic, type 2A; Pseudohypoaldosteronism type 2C. Last evaluated: 2025-02-12. Review status: criteria provided, single submitter. Criteria: Invitae Variant Classification Sherloc (09022015). Collection method: clinical testing. Allele origin: germline.
Comment: This sequence change creates a premature translational stop signal (p.Cys899*) in the WNK1 gene. It is expected to result in an absent or disrupted protein product. Loss-of-function variants in WNK1 are known to be pathogenic (PMID: 22910560). This variant is not present in population databases (gnomAD no frequency). This variant has not been reported in the literature in individuals affected with WNK1-related conditions. For these reasons, this variant has been classified as Pathogenic.

Literature cited by the submitters: PubMed 22910560.

NM_213655.5(WNK1):c.2694_2695del (p.Ser898_Cys899insTer)

Gene: WNK1 (WNK lysine deficient protein kinase 1; plus strand). Cytogenetic location: 12p13.33.
Variant type: Deletion.
Coding change: c.2694_2695del on transcript NM_213655.5 (MANE Plus Clinical); coding-DNA positions 2694 to 2695, 2 bases deleted (AT; older notation c.2694_2695delAT).
Protein change: p.Ser898_Cys899insTer.
Molecular consequence: frameshift variant. On other transcripts: intron variant (2).
Genome position (GRCh38, 1-based): chr12:868,165-868,166, AT deleted. VCF-style (leftmost placement, unchanged base first): chr12-868164-CAT-C. GRCh37 (hg19) VCF-style: chr12-977330-CAT-C.
Other names: c.2140-3100_2140-3099del (NM_018979.4, NM_014823.3); c.2439_2440del, p.Ser813_Cys814insTer (NM_001184985.2).
Identifiers: ClinVar variation 4784152 (VCV004784152.1).
Genomic context (GRCh38, chr12:868,164, plus strand): 5'-ACTGGACACCAGAGGCCGTAGTTATGTTGGGTACTACAGCCAGTAGAGTAACTGGAGAGT[CAT>C]GTGAGATACAGGTCCATCCTATGTTTGAACCATCTCAAGTTTACAGTGACTATAGACCTG-3'